The following is an entry in ClinVar:

ClinVar aggregate classification (germline): Pathogenic (1 of 4 stars; one submission).

Conditions:
Finnish congenital nephrotic syndrome (NPHS1). Also called: NEPHROTIC SYNDROME, TYPE 1. Identifiers: Orphanet 839, MedGen C0403399, MONDO:0009732, OMIM 256300.

Submission:

Myriad Genetics, Inc.
Classification: Pathogenic for Finnish congenital nephrotic syndrome. Last evaluated: 2025-01-04. Review status: criteria provided, single submitter. Criteria: Myriad Autosomal Dominant, Autosomal Recessive and X-Linked Classification Criteria (2023). Collection method: clinical testing. Allele origin: unknown.
Comment: NM_004646.3(NPHS1):c.2529delC(T844Lfs*3) is expected to be pathogenic in the context of nephrotic syndrome, NPHS1-related. This variant is predicted to lead to an abnormal or absent protein product due to the creation of a premature termination codon in NPHS1, a gene where loss-of-function variants are known to be pathogenic. Please note: this variant was assessed in the context of healthy population screening.

NM_004646.4(NPHS1):c.2529del (p.Thr844fs)

Gene: NPHS1 (NPHS1 adhesion molecule, nephrin; minus strand). Cytogenetic location: 19q13.12.
Variant type: Deletion.
Coding change: c.2529del on transcript NM_004646.4 (MANE Select); coding-DNA position 2529, one base deleted (C; older notation c.2529delC).
Protein change: p.Thr844fs; shifts the reading frame from threonine 844.
Molecular consequence: frameshift variant.
Genome position (GRCh38, 1-based): chr19:35,842,258, G deleted on the plus strand (C on the coding strand, the reverse complement: NPHS1 is on the minus strand); the first of 4 consecutive G bases (chr19:35,842,258-35,842,261); deleting any one gives the same sequence. VCF-style (leftmost placement, unchanged base first): chr19-35842257-TG-T. GRCh37 (hg19) VCF-style: chr19-36333159-TG-T.
Other names: short protein forms T844fs.
Identifiers: ClinVar variation 5013929 (VCV005013929.1).